The following is an entry in ClinVar:

ClinVar aggregate classification (germline): Pathogenic (1 of 4 stars; one submission).

Submission:

Labcorp Genetics (formerly Invitae), Labcorp
Classification: Pathogenic. Last evaluated: 2023-08-29. Review status: criteria provided, single submitter. Criteria: Invitae Variant Classification Sherloc (09022015). Collection method: clinical testing. Allele origin: germline.
Comment: This sequence change creates a premature translational stop signal (p.Ala124Valfs*4) in the SLC45A2 gene. It is expected to result in an absent or disrupted protein product. Loss-of-function variants in SLC45A2 are known to be pathogenic (PMID: 21458243, 26573111). This variant is not present in population databases (gnomAD no frequency). This variant has not been reported in the literature in individuals affected with SLC45A2-related conditions. For these reasons, this variant has been classified as Pathogenic.

Literature cited by the submitters: PubMed 21458243; PubMed 26573111.

NM_016180.5(SLC45A2):c.371del (p.Ala124fs)

Gene: SLC45A2 (solute carrier family 45 member 2; minus strand). Cytogenetic location: 5p13.2.
Variant type: Deletion.
Coding change: c.371del on transcript NM_016180.5 (MANE Select); coding-DNA position 371, one base deleted (C; older notation c.371delC).
Protein change: p.Ala124fs; shifts the reading frame from alanine 124.
Molecular consequence: frameshift variant.
Genome position (GRCh38, 1-based): chr5:33,984,213, G deleted on the plus strand (C on the coding strand, the reverse complement: SLC45A2 is on the minus strand). VCF-style (leftmost placement, unchanged base first): chr5-33984212-AG-A. GRCh37 (hg19) VCF-style: chr5-33984317-AG-A.
Other names: c.371del, p.Ala124fs (NM_001012509.4, NM_001297417.4); short protein forms A124fs.
Identifiers: ClinVar variation 2829864 (VCV002829864.3), dbSNP rs2478921511, ClinGen allele CA2739274643.